The following is an entry in ClinVar:

ClinVar aggregate classification (germline): Uncertain significance. Review status: criteria provided, multiple submitters, no conflicts (2 of 4 stars). 2 submissions from 2 submitters: Uncertain significance (2). Last evaluated 2025-08-25.

Allele frequency attached by ClinVar (database versions not stated): gnomAD exomes below 0.00001 and 0.00002; ExAC 0.00003; ESP Exome Variant Server 0.00008; gnomAD 0.00011; TOPMed 0.00014.
gnomAD v4.1: 22 of 1,613,524 alleles (0.0014%); highest among the groups gnomAD compares: African/African-American, 0.024%; no homozygotes.

Submissions (2):

Ambry Genetics
Classification: Uncertain significance. Last evaluated: 2025-08-25. Review status: criteria provided, single submitter. Criteria: Ambry Variant Classification Scheme 2023. Collection method: clinical testing. Allele origin: germline.

Labcorp Genetics (formerly Invitae), Labcorp
Classification: Uncertain significance. Last evaluated: 2022-07-05. Review status: criteria provided, single submitter. Criteria: Invitae Variant Classification Sherloc (09022015). Collection method: clinical testing. Allele origin: germline.
Comment: This sequence change replaces leucine, which is neutral and non-polar, with arginine, which is basic and polar, at codon 228 of the EXOSC2 protein (p.Leu228Arg). This variant is present in population databases (rs150614184, gnomAD 0.02%). This variant has not been reported in the literature in individuals affected with EXOSC2-related conditions. ClinVar contains an entry for this variant (Variation ID: 1462222). Algorithms developed to predict the effect of missense changes on protein structure and function (SIFT, PolyPhen-2, Align-GVGD) all suggest that this variant is likely to be tolerated. In summary, the available evidence is currently insufficient to determine the role of this variant in disease. Therefore, it has been classified as a Variant of Uncertain Significance.

NM_014285.7(EXOSC2):c.683T>G (p.Leu228Arg)

Gene: EXOSC2 (exosome component 2; plus strand). Cytogenetic location: 9q34.12.
Variant type: single nucleotide variant.
Coding change: c.683T>G on transcript NM_014285.7 (MANE Select); coding-DNA position 683, T replaced by G.
Protein change: p.Leu228Arg; replaces leucine 228 with arginine.
Molecular consequence: missense variant. On other transcripts: non-coding transcript variant (1).
Genome position (GRCh38, 1-based): chr9:130,703,063, T>G. VCF-style: chr9-130703063-T-G. GRCh37 (hg19) VCF-style: chr9-133578450-T-G.
Other names: c.683T>G (NM_014285.5); c.605T>G, p.Leu202Arg (NM_001282708.1); c.593T>G, p.Leu198Arg (NM_001282709.1); short protein forms L228R, L202R, L198R.
Identifiers: ClinVar variation 1462222 (VCV001462222.6), dbSNP rs150614184, ClinGen allele CA5284956.
Genomic context (GRCh38, chr9:130,703,063, plus strand): 5'-TATTTTGGTCCTGTTTGTATTTCCCTTCCCCTCTCTGTGTCTCCTTATAGCCTGTCTCTC[T>G]TGCTGATCGAGAGGTGATATCCCGGCTTCGGAACTGCATCATCTCGCTGGTAACTCAGAG-3'
Protein context (NP_055100.2, residues 218-238): GFIANLEPVS[Leu228Arg]ADREVISRLR